The following is an entry in ClinVar:

NM_002074.5(GNB1):c.267+7A>G

Gene: GNB1 (G protein subunit beta 1; minus strand). Cytogenetic location: 1p36.33.
Variant type: single nucleotide variant.
Coding change: c.267+7A>G on transcript NM_002074.5 (MANE Select); 7 bases into the intron after coding-DNA position 267, A replaced by G.
Molecular consequence: intron variant.
Genome position (GRCh38, 1-based): chr1:1,806,468, T>C on the plus strand (A>G on the coding strand, the complement: GNB1 is on the minus strand). VCF-style: chr1-1806468-T-C. GRCh37 (hg19) VCF-style: chr1-1737907-T-C.
Other names: c.267+7A>G (NM_001282539.2); c.-34+7A>G (NM_001282538.2).
Identifiers: ClinVar variation 1032797 (VCV001032797.9), dbSNP rs1646696544, ClinGen allele CA1149324794.

ClinVar aggregate classification (germline): Conflicting classifications of pathogenicity. Review status: criteria provided, conflicting classifications (1 of 4 stars). 2 submissions from 2 submitters: Uncertain significance (1); Likely benign (1). Last evaluated 2023-10-12.

Conditions:
Intellectual developmental disorder, autosomal dominant 42. Also called: Global developmental delay-neuro-ophthalmological abnormalities-seizures-intellectual disability syndrome; GNB1 Encephalopathy; Intellectual disability, autosomal dominant 42. Identifiers: Orphanet 488613, MedGen C4310774, MONDO:0014855, OMIM 616973.

Submissions (2):

Labcorp Genetics (formerly Invitae), Labcorp
Classification: Likely benign. Last evaluated: 2023-10-12. Review status: criteria provided, single submitter. Criteria: Invitae Variant Classification Sherloc (09022015). Collection method: clinical testing. Allele origin: germline.

Baylor Genetics
Classification: Uncertain significance for Intellectual developmental disorder, autosomal dominant 42. Last evaluated: 2018-03-12. Review status: criteria provided, single submitter. Criteria: ACMG Guidelines, 2015. Collection method: clinical testing. Allele origin: unknown. Affected: yes.
Comment: This variant was determined to be of uncertain significance according to ACMG Guidelines, 2015 [PMID:25741868].